The following is an entry in ClinVar:

ClinVar aggregate classification (germline): Benign/Likely benign. Review status: criteria provided, multiple submitters, no conflicts (2 of 4 stars). 15 submissions from 15 submitters: Benign (12); Likely benign (2). 1 of the submissions does not count toward it. Last evaluated 2026-07-01.

Conditions:
Hereditary cancer-predisposing syndrome. Also called: Neoplastic Syndromes, Hereditary; Tumor predisposition; Hereditary neoplastic syndrome; Hereditary Cancer Syndrome. Identifiers: Orphanet 140162, MedGen C0027672, MeSH D009386, MONDO:0015356.
Oligodontia-cancer predisposition syndrome. Also called: TOOTH AGENESIS-COLORECTAL CANCER SYNDROME. Identifiers: Orphanet 300576, MedGen C1837750, MONDO:0012075, OMIM 608615. Disease mechanism: loss of function.

Allele frequency attached by ClinVar (database versions not stated): gnomAD exomes 0.00040 and 0.00099; ExAC 0.00135; gnomAD 0.00373 and 0.00396; 1000 Genomes Project 0.00379; ESP Exome Variant Server 0.00423; TOPMed 0.00429; 1000 Genomes Project 30x 0.00437.
gnomAD v4.1: 1,187 of 1,613,198 alleles (0.074%); highest among the groups gnomAD compares: African/African-American, 1.2%; 9 homozygotes.

Submissions (15):

CeGaT Center for Human Genetics Tuebingen
Classification: Likely benign. Last evaluated: 2026-07-01. Review status: criteria provided, single submitter. Criteria: CeGaT Center For Human Genetics Tuebingen Variant Classification Criteria Version 2. Collection method: clinical testing. Allele origin: germline. Affected: yes. Observed: 4 variant alleles.
Comment: AXIN2: BP4, BP7, BS1

Labcorp Genetics (formerly Invitae), Labcorp
Classification: Benign for Oligodontia-cancer predisposition syndrome. Last evaluated: 2026-02-04. Review status: criteria provided, single submitter. Criteria: Invitae Variant Classification Sherloc (09022015). Collection method: clinical testing. Allele origin: germline.

Quest Diagnostics Nichols Institute San Juan Capistrano
Classification: Benign. Last evaluated: 2025-10-22. Review status: criteria provided, single submitter. Criteria: Quest Diagnostics criteria. Collection method: clinical testing. Allele origin: unknown.

ARUP Laboratories, Molecular Genetics and Genomics, ARUP Laboratories
Classification: Benign. Last evaluated: 2025-05-01. Review status: criteria provided, single submitter. Criteria: ARUP Molecular Germline Variant Investigation Process 2024. Collection method: clinical testing. Allele origin: germline.

Center for Genomic Medicine, Rigshospitalet, Copenhagen University Hospital
Classification: Benign. Last evaluated: 2025-03-04. Review status: criteria provided, single submitter. Criteria: ACMG Guidelines, 2015. Collection method: clinical testing. Allele origin: germline.
Comment: Classification criteria: BA1

KCCC/NGS Laboratory, Kuwait Cancer Control Center
Classification: Benign for Oligodontia-cancer predisposition syndrome. Last evaluated: 2025-02-01. Review status: criteria provided, single submitter. Criteria: ACMG Guidelines, 2015. Collection method: clinical testing. Allele origin: germline. Affected: no.

Blueprint Genetics
Classification: Likely benign. Last evaluated: 2024-11-21. Review status: criteria provided, single submitter. Criteria: ACMG Guidelines, 2015. Collection method: clinical testing. Allele origin: germline.

Myriad Genetics, Inc.
Classification: Benign for Oligodontia-cancer predisposition syndrome. Last evaluated: 2024-07-09. Review status: criteria provided, single submitter. Criteria: Myriad Autosomal Dominant, Autosomal Recessive and X-Linked Classification Criteria (2023). Collection method: clinical testing. Allele origin: unknown.
Comment: This variant is considered benign. This variant is a silent/synonymous amino acid change and it is not expected to impact splicing.

Department of Pathology and Laboratory Medicine, Sinai Health System
Classification: Benign for oligodontia-cancer predisposition syndrome. Last evaluated: 2023-06-08. Review status: criteria provided, single submitter. Criteria: ACMG Guidelines, 2015. Collection method: clinical testing. Allele origin: germline. Affected: no.

Women's Health and Genetics/Laboratory Corporation of America, LabCorp
Classification: Benign. Last evaluated: 2022-03-04. Review status: criteria provided, single submitter. Criteria: LabCorp Variant Classification Summary - May 2015. Collection method: clinical testing. Allele origin: germline.

Ambry Genetics
Classification: Benign for Hereditary cancer-predisposing syndrome. Last evaluated: 2018-11-21. Review status: criteria provided, single submitter. Criteria: Ambry Variant Classification Scheme 2023. Collection method: clinical testing. Allele origin: germline.

Illumina Laboratory Services, Illumina
Classification: Benign for Oligodontia-cancer predisposition syndrome. Last evaluated: 2018-01-13. Review status: criteria provided, single submitter. Criteria: ICSL Variant Classification Criteria 13 December 2019. Collection method: clinical testing. Allele origin: germline.
Comment: This variant was observed in the ICSL laboratory as part of a predisposition screen in an ostensibly healthy population. It had not been previously curated by ICSL or reported in the Human Gene Mutation Database (HGMD: prior to June 1st, 2018), and was therefore a candidate for classification through an automated scoring system. Utilizing variant allele frequency, disease prevalence and penetrance estimates, and inheritance mode, an automated score was calculated to assess if this variant is too frequent to cause the disease. Based on the score and internal cut-off values, a variant classified as benign is not then subjected to further curation. The score for this variant resulted in a classification of benign for this disease.

GeneDx
Classification: Benign. Last evaluated: 2013-12-23. Review status: criteria provided, single submitter. Criteria: GeneDx Variant Classification (06012015). Collection method: clinical testing. Allele origin: germline. Affected: yes.
Comment: This variant is considered likely benign or benign based on one or more of the following criteria: it is a conservative change, it occurs at a poorly conserved position in the protein, it is predicted to be benign by multiple in silico algorithms, and/or has population frequency not consistent with disease.

Breakthrough Genomics
Classification: Benign. Review status: criteria provided, single submitter. Criteria: ACMG Guidelines, 2015. Collection method: not provided. Allele origin: germline. Inheritance: Autosomal dominant inheritance. Affected: yes.

Mayo Clinic Laboratories, Mayo Clinic
Classification: Benign. Review status: no assertion criteria provided. Collection method: clinical testing. Allele origin: unknown. Not counted in ClinVar's aggregate classification.

NM_004655.4(AXIN2):c.2109G>A (p.Arg703=)

Gene: AXIN2 (axin 2; minus strand). Cytogenetic location: 17q24.1.
Variant type: single nucleotide variant.
Coding change: c.2109G>A on transcript NM_004655.4 (MANE Select); coding-DNA position 2109, G replaced by A.
Protein change: p.Arg703=; no amino-acid change (arginine 703 retained).
Molecular consequence: synonymous variant.
Genome position (GRCh38, 1-based): chr17:65,536,352, C>T on the plus strand (G>A on the coding strand, the complement: AXIN2 is on the minus strand). VCF-style: chr17-65536352-C-T. GRCh37 (hg19) VCF-style: chr17-63532470-C-T.
Other names: p.R703R:AGG>AGA; c.2109G>A (LRG_296t1); c.1914G>A, p.Arg638= (NM_001363813.1).
Identifiers: ClinVar variation 136488 (VCV000136488.50), dbSNP rs116525755, ClinGen allele CA289654.